The following is an entry in ClinVar:

ClinVar aggregate classification (germline): Uncertain significance (1 of 4 stars; one submission).

gnomAD v4.1: 8 of 1,611,772 alleles (0.0005%); highest among the groups gnomAD compares: Non-Finnish European, 0.00068%; no homozygotes.

Submission:

Labcorp Genetics (formerly Invitae), Labcorp
Classification: Uncertain significance. Last evaluated: 2024-05-08. Review status: criteria provided, single submitter. Criteria: Invitae Variant Classification Sherloc (09022015). Collection method: clinical testing. Allele origin: germline.
Comment: This sequence change replaces arginine, which is basic and polar, with leucine, which is neutral and non-polar, at codon 178 of the DNASE1L3 protein (p.Arg178Leu). The frequency data for this variant in the population databases is considered unreliable, as metrics indicate poor data quality at this position in the gnomAD database. This variant has not been reported in the literature in individuals affected with DNASE1L3-related conditions. ClinVar contains an entry for this variant (Variation ID: 1982712). Algorithms developed to predict the effect of missense changes on protein structure and function output the following: SIFT: "Not Available"; PolyPhen-2: "Benign"; Align-GVGD: "Not Available". The leucine amino acid residue is found in multiple mammalian species, which suggests that this missense change does not adversely affect protein function. In summary, the available evidence is currently insufficient to determine the role of this variant in disease. Therefore, it has been classified as a Variant of Uncertain Significance.

NM_004944.4(DNASE1L3):c.533G>T (p.Arg178Leu)

Gene: DNASE1L3 (deoxyribonuclease 1L3; minus strand). Cytogenetic location: 3p14.3.
Variant type: single nucleotide variant.
Coding change: c.533G>T on transcript NM_004944.4 (MANE Select); coding-DNA position 533, G replaced by T.
Protein change: p.Arg178Leu; replaces arginine 178 with leucine.
Molecular consequence: missense variant.
Genome position (GRCh38, 1-based): chr3:58,201,010, C>A on the plus strand (G>T on the coding strand, the complement: DNASE1L3 is on the minus strand). VCF-style: chr3-58201010-C-A. GRCh37 (hg19) VCF-style: chr3-58186737-C-A.
Other names: c.443G>T, p.Arg148Leu (NM_001256560.2); short protein forms R148L, R178L.
Identifiers: ClinVar variation 1982712 (VCV001982712.3), dbSNP rs3772986, ClinGen allele CA353338861.
Genomic context (GRCh38, chr3:58,201,010, plus strand): 5'-AGCCTGCCCCTGCTAGATGGGAATTCGTCTGACACAGCAGTCCTCACCTCCGCCTTCCAG[C>A]GGTGTTTCACGTCCGTGTAGACCTCAACCAACTCATCGATCTCCTTAACGGATGTCTCTG-3'
Protein context (NP_004935.1, residues 168-188): LVEVYTDVKH[Arg178Leu]WKAENFIFMG